The following is an entry in ClinVar:

ClinVar aggregate classification (germline): Conflicting classifications of pathogenicity. Review status: criteria provided, conflicting classifications (1 of 4 stars). 5 submissions from 5 submitters: Likely pathogenic (2); Uncertain significance (3). Last evaluated 2026-01-19.

Conditions:
Congenital disorder of glycosylation, type Ii. Also called: CDG Ii; ALG2-CDG; ALG2-congenital disorder of glycosylation. Identifiers: Orphanet 79326, MedGen C1842836, MONDO:0011933, OMIM 607906.
Congenital myasthenic syndrome 14. Also called: Myasthenic syndrome, congenital, 14, with tubular aggregates. Identifiers: Orphanet 353327, Orphanet 590, MedGen C4015597, MONDO:0014543, OMIM 616228.
Inborn genetic diseases. Identifiers: MedGen C0950123, MeSH D030342.

Submissions (5):

Labcorp Genetics (formerly Invitae), Labcorp
Classification: Uncertain significance for Congenital disorder of glycosylation, type Ii; Congenital myasthenic syndrome 14. Last evaluated: 2026-01-19. Review status: criteria provided, single submitter. Criteria: Invitae Variant Classification Sherloc (09022015). Collection method: clinical testing. Allele origin: germline.
Comment: This sequence change creates a premature translational stop signal (p.Ser352Leufs*3) in the ALG2 gene. While this is not anticipated to result in nonsense mediated decay, it is expected to disrupt the last 65 amino acid(s) of the ALG2 protein. This variant is not present in population databases (gnomAD no frequency). This premature translational stop signal has been observed in individual(s) with clinical features of congenital myasthenic syndrome (internal data). Experimental studies and prediction algorithms are not available or were not evaluated, and the functional significance of this variant is currently unknown. In summary, the available evidence is currently insufficient to determine the role of this variant in disease. Therefore, it has been classified as a Variant of Uncertain Significance.

First Genomix Gene Laboratory, Genetic Diagnostics Department
Classification: Likely pathogenic for Congenital disorder of glycosylation, type Ii; Congenital myasthenic syndrome 14. Last evaluated: 2025-08-05. Review status: criteria provided, single submitter. Criteria: ACMG Guidelines, 2015. Collection method: clinical testing. Allele origin: germline. Inheritance: Autosomal recessive inheritance. Affected: no. Observed: 1 variant allele.

3billion
Classification: Likely pathogenic for Congenital disorder of glycosylation, type Ii. Last evaluated: 2023-11-22. Review status: criteria provided, single submitter. Criteria: ACMG Guidelines, 2015. Collection method: clinical testing. Allele origin: germline. Affected: yes.
Comment: The variant is observed at an extremely low frequency in the gnomAD v2.1.1 dataset (total allele frequency: 0.006%). Predicted Consequence/Location: Inframe deletion located in a nonrepeat region - predicted to change the length of the protein and disrupt normal protein function. The variant has been reported to be associated with ALG2-related disorder (VCV000464893). Therefore, the variant is classified as likely pathogenic according to the recommendation of ACMG/AMP guideline.

Women's Health and Genetics/Laboratory Corporation of America, LabCorp
Classification: Uncertain significance. Last evaluated: 2022-02-07. Review status: criteria provided, single submitter. Criteria: LabCorp Variant Classification Summary - May 2015. Collection method: clinical testing. Allele origin: germline.
Comment: Variant summary: ALG2 c.1055_1056delinsTGA (p.Ser352LeufsX3) results in a premature termination codon, predicted to cause a truncation of the encoded protein in the Glycosyl transferase, family 1 domain (IPR001296). Although this truncation is not predicted to cause absense of the protein through nonsense mediated decay, and truncations downstream of this position have been classified as uncertain significance in ClinVar (1053713), the variant may potentially alter protein function by altering the last 65 amino acids in the protein sequence. The variant was absent in 281616 control chromosomes (gnomAD). To our knowledge, no occurrence of c.1055_1056delinsTGA in individuals affected with Congenital Disorder Of Glycosylation, Type 1i and no experimental evidence demonstrating its impact on protein function have been reported. One ClinVar submitter has assessed the variant since 2014: the variant was classified as of uncertain significance. Based on the evidence outlined above, the variant was classified as VUS.

Ambry Genetics
Classification: Uncertain significance for Inborn genetic diseases. Last evaluated: 2021-03-16. Review status: criteria provided, single submitter. Criteria: Ambry Variant Classification Scheme 2023. Collection method: clinical testing. Allele origin: germline.
Comment: Not expected to trigger nonsense-mediated mRNA decay Based on insufficient or conflicting evidence, the clinical significance of this alteration remains unclear.

NM_033087.4(ALG2):c.1055_1056delinsTGA (p.Ser352fs)

Gene: ALG2 (ALG2 alpha-1,3/1,6-mannosyltransferase; minus strand). Cytogenetic location: 9q22.33.
Variant type: Indel.
Coding change: c.1055_1056delinsTGA on transcript NM_033087.4 (MANE Select); coding-DNA positions 1055 to 1056, CC replaced by TGA.
Protein change: p.Ser352fs; shifts the reading frame from serine 352.
Molecular consequence: frameshift variant. On other transcripts: non-coding transcript variant (1).
Genome position (GRCh38, 1-based): chr9:99,218,129-99,218,130, GG replaced by TCA on the plus strand (CC replaced by TGA on the coding strand, the reverse complement: ALG2 is on the minus strand). VCF-style: chr9-99218129-GG-TCA. GRCh37 (hg19) VCF-style: chr9-101980411-GG-TCA.
Other names: c.1055_1056delCCinsTGA (NM_033087.3); short protein forms S352fs.
Identifiers: ClinVar variation 464893 (VCV000464893.9), dbSNP rs1554707637, ClinGen allele CA658657891.